The following is an entry in ClinVar:

ClinVar aggregate classification (germline): Pathogenic (1 of 4 stars; one submission).

Submission:

Labcorp Genetics (formerly Invitae), Labcorp
Classification: Pathogenic. Last evaluated: 2024-04-10. Review status: criteria provided, single submitter. Criteria: Invitae Variant Classification Sherloc (09022015). Collection method: clinical testing. Allele origin: germline.
Comment: This sequence change creates a premature translational stop signal (p.Tyr552*) in the EYS gene. It is expected to result in an absent or disrupted protein product. Loss-of-function variants in EYS are known to be pathogenic (PMID: 18836446, 20333770). This variant is not present in population databases (gnomAD no frequency). This variant has not been reported in the literature in individuals affected with EYS-related conditions. For these reasons, this variant has been classified as Pathogenic.

Literature cited by the submitters: PubMed 18836446; PubMed 20333770.

NM_001142800.2(EYS):c.1656T>G (p.Tyr552Ter)

Gene: EYS (EGF-like photoreceptor maintenance factor; minus strand). Cytogenetic location: 6q12.
Variant type: single nucleotide variant.
Coding change: c.1656T>G on transcript NM_001142800.2 (MANE Select); coding-DNA position 1656, T replaced by G.
Protein change: p.Tyr552Ter; replaces tyrosine 552 with a stop codon.
Molecular consequence: nonsense.
Genome position (GRCh38, 1-based): chr6:65,335,090, A>C on the plus strand (T>G on the coding strand, the complement: EYS is on the minus strand). VCF-style: chr6-65335090-A-C. GRCh37 (hg19) VCF-style: chr6-66044983-A-C.
Other names: c.1656T>G, p.Tyr552Ter (NM_001142801.2, NM_001292009.2, NM_198283.2); short protein forms Y552*.
Identifiers: ClinVar variation 3649531 (VCV003649531.2).